The following is an entry in ClinVar:

NM_000393.5(COL5A2):c.1954C>A (p.Pro652Thr)

Gene: COL5A2 (collagen type V alpha 2 chain; minus strand). Cytogenetic location: 2q32.2.
Variant type: single nucleotide variant.
Coding change: c.1954C>A on transcript NM_000393.5 (MANE Select); coding-DNA position 1954, C replaced by A.
Protein change: p.Pro652Thr; replaces proline 652 with threonine.
Molecular consequence: missense variant.
Genome position (GRCh38, 1-based): chr2:189,062,888, G>T on the plus strand (C>A on the coding strand, the complement: COL5A2 is on the minus strand). VCF-style: chr2-189062888-G-T. GRCh37 (hg19) VCF-style: chr2-189927614-G-T.
Other names: c.1954C>A (NM_000393.3); short protein forms P652T.
Identifiers: ClinVar variation 2196403 (VCV002196403.5), dbSNP rs774596254, ClinGen allele CA2022512.

ClinVar aggregate classification (germline): Conflicting classifications of pathogenicity. Review status: criteria provided, conflicting classifications (1 of 4 stars). 2 submissions from 2 submitters: Uncertain significance (1); Likely benign (1). Last evaluated 2026-02-24.

Conditions:
Ehlers-Danlos syndrome, classic type, 1 (EDSCL1). Also called: Ehlers-Danlos Syndrome, Classic Type, COL5A1-Related; EDS I; EHLERS-DANLOS SYNDROME, GRAVIS TYPE; EHLERS-DANLOS SYNDROME, SEVERE CLASSIC TYPE; Ehlers-Danlos syndrome, type 1. Identifiers: MedGen C0268335, MONDO:0019567, OMIM 130000.

Allele frequency attached by ClinVar (database versions not stated): ExAC 0.00001.
gnomAD v4.1: 2 of 1,613,992 alleles (0.00012%); highest among the groups gnomAD compares: Admixed American, 0.0033%; no homozygotes.

Submissions (2):

GeneDx
Classification: Uncertain significance. Last evaluated: 2026-02-24. Review status: criteria provided, single submitter. Criteria: GeneDx Variant Classification Process June 2021. Collection method: clinical testing. Allele origin: germline.
Comment: Not observed at significant frequency in large population cohorts (gnomAD); In silico analysis suggests that this missense variant does not alter protein structure/function; Has not been previously published as pathogenic or benign to our knowledge; Not located in the triple helical region, where the majority of pathogenic missense variants occur (PMID: 22696272; HGMD); This variant is associated with the following publications: (PMID: 22696272)

Labcorp Genetics (formerly Invitae), Labcorp
Classification: Likely benign for Ehlers-Danlos syndrome, classic type, 1. Last evaluated: 2023-04-18. Review status: criteria provided, single submitter. Criteria: Invitae Variant Classification Sherloc (09022015). Collection method: clinical testing. Allele origin: germline.